The following is an entry in ClinVar:

ClinVar aggregate classification (germline): Uncertain significance. Review status: criteria provided, multiple submitters, no conflicts (2 of 4 stars). 2 submissions from 2 submitters: Uncertain significance (2). Last evaluated 2025-09-07.

Conditions:
Hereditary cancer-predisposing syndrome. Also called: Hereditary Cancer Syndrome; Hereditary neoplastic syndrome; Tumor predisposition; Neoplastic Syndromes, Hereditary. Identifiers: Orphanet 140162, MedGen C0027672, MeSH D009386, MONDO:0015356.

gnomAD v4.1: 5 of 1,608,554 alleles (0.00031%); highest among the groups gnomAD compares: South Asian, 0.0033%; no homozygotes.

Submissions (2):

Ambry Genetics
Classification: Uncertain significance for Hereditary cancer-predisposing syndrome. Last evaluated: 2025-09-07. Review status: criteria provided, single submitter. Criteria: Ambry Variant Classification Scheme 2023. Collection method: clinical testing. Allele origin: germline.
Comment: The p.V774M variant (also known as c.2320G>A) is located in coding exon 21 of the POLE gene. The valine at codon 774 is replaced by methionine, an amino acid with highly similar properties. This change occurs in the first base pair of coding exon 21. This amino acid position is conserved. In addition, this alteration is predicted to be tolerated by in silico analysis. Since supporting evidence is limited at this time, the clinical significance of this alteration remains unclear.

Labcorp Genetics (formerly Invitae), Labcorp
Classification: Uncertain significance. Last evaluated: 2025-02-25. Review status: criteria provided, single submitter. Criteria: Invitae Variant Classification Sherloc (09022015). Collection method: clinical testing. Allele origin: germline.
Comment: This sequence change replaces valine, which is neutral and non-polar, with methionine, which is neutral and non-polar, at codon 774 of the POLE protein (p.Val774Met). This variant is present in population databases (no rsID available, gnomAD 0.003%). This variant has not been reported in the literature in individuals affected with POLE-related conditions. ClinVar contains an entry for this variant (Variation ID: 1789577). An algorithm developed to predict the effect of missense changes on protein structure and function (PolyPhen-2) suggests that this variant is likely to be disruptive. Studies have shown that this missense change is associated with inconclusive levels of altered splicing (internal data). In summary, the available evidence is currently insufficient to determine the role of this variant in disease. Therefore, it has been classified as a Variant of Uncertain Significance.

NM_006231.4(POLE):c.2320G>A (p.Val774Met)

Gene: POLE (DNA polymerase epsilon, catalytic subunit; minus strand). Cytogenetic location: 12q24.33.
Variant type: single nucleotide variant.
Coding change: c.2320G>A on transcript NM_006231.4 (MANE Select); coding-DNA position 2320, G replaced by A.
Protein change: p.Val774Met; replaces valine 774 with methionine.
Molecular consequence: missense variant.
Genome position (GRCh38, 1-based): chr12:132,665,450, C>T on the plus strand (G>A on the coding strand, the complement: POLE is on the minus strand). VCF-style: chr12-132665450-C-T. GRCh37 (hg19) VCF-style: chr12-133242036-C-T.
Other names: short protein forms V774M.
Identifiers: ClinVar variation 1789577 (VCV001789577.8), dbSNP rs1427682599, ClinGen allele CA387398151.